The following is an entry in ClinVar:

ClinVar aggregate classification (germline): Uncertain significance (0 of 4 stars; one submission).

Conditions:
TRPC5-related disorder. Also called: TRPC5-related condition.

gnomAD v4.1: 4 of 1,212,236 alleles (0.00033%); highest among the groups gnomAD compares: Non-Finnish European, 0.00045%; no homozygotes.

Submission:

PreventionGenetics, part of Exact Sciences
Classification: Uncertain significance for TRPC5-related condition. Last evaluated: 2024-09-27. Review status: no assertion criteria provided. Collection method: clinical testing. Allele origin: germline.
Comment: The TRPC5 c.259G>A variant is predicted to result in the amino acid substitution p.Glu87Lys. To our knowledge, this variant has not been reported in the literature. This variant is reported in 0.0012% of alleles in individuals of European (Non-Finnish) descent in gnomAD. At this time, the clinical significance of this variant is uncertain due to the absence of conclusive functional and genetic evidence.

NM_012471.3(TRPC5):c.259G>A (p.Glu87Lys)

Gene: TRPC5 (transient receptor potential cation channel subfamily C member 5; minus strand). Cytogenetic location: Xq23.
Variant type: single nucleotide variant.
Coding change: c.259G>A on transcript NM_012471.3 (MANE Select); coding-DNA position 259, G replaced by A.
Protein change: p.Glu87Lys; replaces glutamic acid 87 with lysine.
Molecular consequence: missense variant.
Genome position (GRCh38, 1-based): chrX:111,952,162, C>T on the plus strand (G>A on the coding strand, the complement: TRPC5 is on the minus strand). VCF-style: chrX-111952162-C-T. GRCh37 (hg19) VCF-style: chrX-111195390-C-T.
Other names: short protein forms E87K.
Identifiers: ClinVar variation 3345059 (VCV003345059.1).